The following is an entry in ClinVar:

ClinVar aggregate classification (germline): Uncertain significance (1 of 4 stars; one submission).

Submission:

GeneDx
Classification: Uncertain significance. Last evaluated: 2024-03-18. Review status: criteria provided, single submitter. Criteria: GeneDx Variant Classification Process June 2021. Collection method: clinical testing. Allele origin: germline. Affected: yes.
Comment: Initiation codon variant in a gene for which loss of function is not a known mechanism of disease; Has not been previously published as pathogenic or benign to our knowledge

NM_001012614.2(CTBP1):c.2T>C (p.Met1Thr)

Gene: CTBP1 (C-terminal binding protein 1; minus strand). Cytogenetic location: 4p16.3.
Variant type: single nucleotide variant.
Coding change: c.2T>C on transcript NM_001012614.2 (MANE Select); coding-DNA position 2, T replaced by C.
Protein change: p.Met1Thr; changes the start codon (methionine 1).
Molecular consequence: missense variant, initiator codon variant. On other transcripts: intron variant (2).
Genome position (GRCh38, 1-based): chr4:1,241,330, A>G on the plus strand (T>C on the coding strand, the complement: CTBP1 is on the minus strand). VCF-style: chr4-1241330-A-G. GRCh37 (hg19) VCF-style: chr4-1235118-A-G.
Other names: c.2T>C, p.Met1Thr (NM_001377187.1, NM_001377188.1, NM_001377189.1 and 4 more transcripts); c.41-2993T>C (NM_001328.3, NM_001377186.1); short protein forms M1T.
Identifiers: ClinVar variation 3370951 (VCV003370951.1).
Genomic context (GRCh38, chr4:1,241,330, plus strand): 5'-CGCAAAGAGACCGGCCGGCTTCACTCTGCCGCCGACGCCAGGAACCCCTACCAACCTGAC[A>G]TCTCTTAATATGGGCTCAGCTTCCACGACCATGAATTCGACTTTTCAAAGCTTTTTATCT-3'
Protein context (NP_001012632.1, residues 1-11): [Met1Thr]SGVRPPIMNG